The following is an entry in ClinVar:

NM_031263.4(HNRNPK):c.1109-1G>A

Gene: HNRNPK (heterogeneous nuclear ribonucleoprotein K; minus strand). Cytogenetic location: 9q21.32.
Variant type: single nucleotide variant.
Coding change: c.1109-1G>A on transcript NM_031263.4 (MANE Select); the canonical splice acceptor site of the intron before coding-DNA position 1109, G replaced by A.
Molecular consequence: splice acceptor variant.
Genome position (GRCh38, 1-based): chr9:83,970,820, C>T on the plus strand (G>A on the coding strand, the complement: HNRNPK is on the minus strand). VCF-style: chr9-83970820-C-T. GRCh37 (hg19) VCF-style: chr9-86585735-C-T.
Other names: c.1109-1G>A (NM_031262.4, NM_002140.5, NM_001318188.2); c.1037-1G>A (NM_001318186.2, NM_001318187.2).
Identifiers: ClinVar variation 2637293 (VCV002637293.1), dbSNP rs2491957229, ClinGen allele CA373920690.

ClinVar aggregate classification (germline): Likely pathogenic (1 of 4 stars; one submission).

Conditions:
HNRNPK-related disorder. Also called: HNRNPK-related condition.

Submission:

PreventionGenetics, part of Exact Sciences
Classification: Likely pathogenic for HNRNPK-related condition. Last evaluated: 2022-09-17. Review status: criteria provided, single submitter. Criteria: ACMG Guidelines, 2015. Collection method: clinical testing. Allele origin: germline.
Comment: The HNRNPK c.1109-1G>A variant is predicted to disrupt the AG splice acceptor site and interfere with normal splicing. To our knowledge, this variant has not been reported in the literature or in a large population database, indicating this variant is rare. Variants that disrupt the consensus splice acceptor site in HNRNPK are expected to be pathogenic. This variant is interpreted as likely pathogenic.